The following is an entry in ClinVar:

ClinVar aggregate classification (germline): Uncertain significance (1 of 4 stars; one submission).

Conditions:
Primary dilated cardiomyopathy (DCM). Also called: Dilated Cardiomyopathy. Identifiers: Orphanet 217604, MedGen C0007193, MeSH D002311, MONDO:0005021, HP:0001644. Inheritance: Various modes of inheritance.

gnomAD v4.1: 2 of 1,611,582 alleles (0.00012%); highest among the groups gnomAD compares: African/African-American, 0.0013%; no homozygotes.

Submission:

Labcorp Genetics (formerly Invitae), Labcorp
Classification: Uncertain significance for Primary dilated cardiomyopathy. Last evaluated: 2025-10-21. Review status: criteria provided, single submitter. Criteria: Invitae Variant Classification Sherloc (09022015). Collection method: clinical testing. Allele origin: germline.
Comment: This sequence change replaces alanine, which is neutral and non-polar, with threonine, which is neutral and polar, at codon 437 of the NEBL protein (p.Ala437Thr). This variant is not present in population databases (gnomAD no frequency). This variant has not been reported in the literature in individuals affected with NEBL-related conditions. An algorithm developed to predict the effect of missense changes on protein structure and function (PolyPhen-2) suggests that this variant is likely to be tolerated. In summary, the available evidence is currently insufficient to determine the role of this variant in disease. Therefore, it has been classified as a Variant of Uncertain Significance.

NM_006393.3(NEBL):c.1309G>A (p.Ala437Thr)

Gene: NEBL (nebulette; minus strand). Cytogenetic location: 10p12.31.
Variant type: single nucleotide variant.
Coding change: c.1309G>A on transcript NM_006393.3 (MANE Select); coding-DNA position 1309, G replaced by A.
Protein change: p.Ala437Thr; replaces alanine 437 with threonine.
Molecular consequence: missense variant. On other transcripts: intron variant (9).
Genome position (GRCh38, 1-based): chr10:20,840,768, C>T on the plus strand (G>A on the coding strand, the complement: NEBL is on the minus strand). VCF-style: chr10-20840768-C-T. GRCh37 (hg19) VCF-style: chr10-21129697-C-T.
Other names: c.250-27828G>A (NM_001377326.1, NM_001377327.1, NM_001377328.1); c.358-27828G>A (NM_213569.2, NM_001173484.2, NM_001377322.1); c.301-27828G>A (NM_001377324.1); c.292-27828G>A (NM_001377325.1); c.310-27828G>A (NM_001377323.1); short protein forms A437T.
Identifiers: ClinVar variation 4705553 (VCV004705553.1).
Genomic context (GRCh38, chr10:20,840,768, plus strand): 5'-TTCATCTAAGGTGTTAAATAAACATACTCACCTCACTTGCCATTTCAGAGGCTCGCTTTG[C>T]TCTTTGGATATCAAGAACTTCTGAATTAAGTTCCATTCCTTTCCCTTTTATCTCATTTTC-3'
Protein context (NP_006384.1, residues 427-447): LNSEVLDIQR[Ala437Thr]KRASEMASEK